The following is an entry in ClinVar:

NM_030928.4(CDT1):c.732G>A (p.Pro244=)

Gene: CDT1 (chromatin licensing and DNA replication factor 1; plus strand). Cytogenetic location: 16q24.3.
Variant type: single nucleotide variant.
Coding change: c.732G>A on transcript NM_030928.4 (MANE Select); coding-DNA position 732, G replaced by A.
Protein change: p.Pro244=; no amino-acid change (proline 244 retained).
Molecular consequence: synonymous variant.
Genome position (GRCh38, 1-based): chr16:88,805,769, G>A. VCF-style: chr16-88805769-G-A. GRCh37 (hg19) VCF-style: chr16-88872177-G-A.
Other names: c.732G>A (NM_030928.3).
Identifiers: ClinVar variation 1442903 (VCV001442903.10), dbSNP rs372803781, ClinGen allele CA8233797.
Genomic context (GRCh38, chr16:88,805,769, plus strand): 5'-CCCATCCTCCCATAGGCGTTTTGAGGAGTGCAATGTTGGCCAGATCAAAACCGTGTACCC[G>A]GCCTCCTACCGCTTCCGCCAGGAGCGCAGTGTCCCCACCTTCAAGGATGGCACCAGGAGG-3'
Protein context (NP_112190.2, residues 234-254): CNVGQIKTVY[Pro244=]ASYRFRQERS

ClinVar aggregate classification (germline): Likely benign. Review status: criteria provided, single submitter (1 of 4 stars). 2 submissions from 2 submitters: Likely benign (1). 1 of the submissions does not count toward it. Last evaluated 2025-05-22.

Conditions:
CDT1-related disorder. Also called: CDT1-related condition.

Allele frequency attached by ClinVar (database versions not stated): ExAC 0.00003; gnomAD exomes 0.00004 and 0.00014; ESP Exome Variant Server 0.00008.

Submissions (2):

Labcorp Genetics (formerly Invitae), Labcorp
Classification: Likely benign. Last evaluated: 2025-05-22. Review status: criteria provided, single submitter. Criteria: Invitae Variant Classification Sherloc (09022015). Collection method: clinical testing. Allele origin: germline.

PreventionGenetics, part of Exact Sciences
Classification: Likely benign for CDT1-related condition. Last evaluated: 2019-03-20. Review status: no assertion criteria provided. Collection method: clinical testing. Allele origin: germline. Not counted in ClinVar's aggregate classification.
Comment: This variant is classified as likely benign based on ACMG/AMP sequence variant interpretation guidelines (Richards et al. 2015 PMID: 25741868, with internal and published modifications).